The following is an entry in ClinVar:

NM_021098.3(CACNA1H):c.1508G>A (p.Arg503His)

Gene: CACNA1H (calcium voltage-gated channel subunit alpha1 H; plus strand). Cytogenetic location: 16p13.3.
Variant type: single nucleotide variant.
Coding change: c.1508G>A on transcript NM_021098.3 (MANE Select); coding-DNA position 1508, G replaced by A.
Protein change: p.Arg503His; replaces arginine 503 with histidine.
Molecular consequence: missense variant.
Genome position (GRCh38, 1-based): chr16:1,201,958, G>A. VCF-style: chr16-1201958-G-A. GRCh37 (hg19) VCF-style: chr16-1251958-G-A.
Other names: c.1508G>A, p.Arg503His (NM_001005407.2); short protein forms R503H.
Identifiers: ClinVar variation 460048 (VCV000460048.15), dbSNP rs201009269, ClinGen allele CA7799957.

ClinVar aggregate classification (germline): Conflicting classifications of pathogenicity. Review status: criteria provided, conflicting classifications (1 of 4 stars). 4 submissions from 4 submitters: Uncertain significance (3); Likely benign (1). Last evaluated 2025-12-10.

Conditions:
Hyperaldosteronism, familial, type IV (HALD4). Also called: FH IV; ALDOSTERONISM, PRIMARY, AND HYPERTENSION. Identifiers: Orphanet 642671, MedGen C4310756, MONDO:0014875, OMIM 617027.
Idiopathic generalized epilepsy. Also called: EIG; Generalised epilepsy. Identifiers: MedGen C0270850, MONDO:0005579, OMIM 600669.
Inborn genetic diseases. Identifiers: MedGen C0950123, MeSH D030342.
Epilepsy, childhood absence, susceptibility to, 6. Identifiers: Orphanet 64280, MedGen C2749872, MONDO:0012763, OMIM 611942.

Allele frequency attached by ClinVar (database versions not stated): gnomAD exomes 0.00008; ExAC 0.00016; ESP Exome Variant Server 0.00037; gnomAD 0.00044 and 0.00045; TOPMed 0.00048; 1000 Genomes Project 0.00060; 1000 Genomes Project 30x 0.00062.
gnomAD v4.1: 222 of 1,545,504 alleles (0.014%); highest among the groups gnomAD compares: African/African-American, 0.14%; 1 homozygote.

Submissions (4):

Labcorp Genetics (formerly Invitae), Labcorp
Classification: Likely benign for Idiopathic generalized epilepsy; Hyperaldosteronism, familial, type IV. Last evaluated: 2025-12-10. Review status: criteria provided, single submitter. Criteria: Invitae Variant Classification Sherloc (09022015). Collection method: clinical testing. Allele origin: germline.

GeneDx
Classification: Uncertain significance. Last evaluated: 2024-02-08. Review status: criteria provided, single submitter. Criteria: GeneDx Variant Classification Process June 2021. Collection method: clinical testing. Allele origin: germline. Affected: yes.
Comment: In silico analysis supports that this missense variant does not alter protein structure/function; This variant is associated with the following publications: (PMID: 35668055)

Ambry Genetics
Classification: Uncertain significance for Inborn genetic diseases. Last evaluated: 2021-07-15. Review status: criteria provided, single submitter. Criteria: Ambry Variant Classification Scheme 2023. Collection method: clinical testing. Allele origin: germline.

Center for Genomics, Ann and Robert H. Lurie Children's Hospital of Chicago
Classification: Uncertain significance for Epilepsy, childhood absence, susceptibility to, 6; Hyperaldosteronism, familial, type IV. Review status: criteria provided, single submitter. Criteria: ACMG Guidelines, 2015. Collection method: clinical testing. Allele origin: germline.
Comment: CACNA1H NM_021098.2 exon 9 p.Arg503His (c.1508G>A): This variant has not been reported in the literature but is present in 0.1% (16/15288) of African alleles in the Genome Aggregation Database. This variant is present in ClinVar (Variation ID:460048). Evolutionary conservation and computational predictive tools for this variant are unclear. In summary, data on this variant is insufficient for disease classification. Therefore, the clinical significance of this variant is uncertain.